The following is an entry in ClinVar:

ClinVar aggregate classification (germline): Uncertain significance (1 of 4 stars; one submission).

gnomAD v4.1: 2 of 1,611,592 alleles (0.00012%); highest among the groups gnomAD compares: Non-Finnish European, 0.00017%; no homozygotes.

Submission:

Labcorp Genetics (formerly Invitae), Labcorp
Classification: Uncertain significance. Last evaluated: 2023-01-10. Review status: criteria provided, single submitter. Criteria: Invitae Variant Classification Sherloc (09022015). Collection method: clinical testing. Allele origin: germline.
Comment: In summary, the available evidence is currently insufficient to determine the role of this variant in disease. Therefore, it has been classified as a Variant of Uncertain Significance. Advanced modeling of protein sequence and biophysical properties (such as structural, functional, and spatial information, amino acid conservation, physicochemical variation, residue mobility, and thermodynamic stability) performed at Invitae indicates that this missense variant is not expected to disrupt SEPT9 protein function. This variant has not been reported in the literature in individuals affected with SEPT9-related conditions. This variant is not present in population databases (gnomAD no frequency). This sequence change replaces glycine, which is neutral and non-polar, with serine, which is neutral and polar, at codon 121 of the SEPT9 protein (p.Gly121Ser).

NM_001113491.2(SEPTIN9):c.415G>A (p.Gly139Ser)

Gene: SEPTIN9 (septin 9; plus strand). Cytogenetic location: 17q25.3.
Variant type: single nucleotide variant.
Coding change: c.415G>A on transcript NM_001113491.2 (MANE Select); coding-DNA position 415, G replaced by A.
Protein change: p.Gly139Ser; replaces glycine 139 with serine.
Molecular consequence: missense variant. On other transcripts: 5 prime UTR variant (2).
Genome position (GRCh38, 1-based): chr17:77,402,397, G>A. VCF-style: chr17-77402397-G-A. GRCh37 (hg19) VCF-style: chr17-75398479-G-A.
Other names: c.-78G>A (NM_001113492.2, NM_001113494.1); c.394G>A, p.Gly132Ser (NM_001113493.2); c.358G>A, p.Gly120Ser (NM_001293695.2); c.361G>A, p.Gly121Ser (NM_006640.5); short protein forms G121S, G120S, G132S, G139S.
Identifiers: ClinVar variation 2998799 (VCV002998799.3), dbSNP rs2509884661, ClinGen allele CA401206118.